The following is an entry in ClinVar:

NM_145239.3(PRRT2):c.-66+19G>A

Genes: MVP-DT (MVP divergent transcript; minus strand), PRRT2 (proline rich transmembrane protein 2; plus strand). Cytogenetic location: 16p11.2.
Variant type: single nucleotide variant.
Coding change: c.-66+19G>A on transcript NM_145239.3 (MANE Select); 19 bases into the intron after 66 bases upstream of the start codon, G replaced by A.
Molecular consequence: intron variant. On other transcripts: 5 prime UTR variant (1).
Genome position (GRCh38, 1-based): chr16:29,812,342, G>A. VCF-style: chr16-29812342-G-A. GRCh37 (hg19) VCF-style: chr16-29823663-G-A.
Other names: c.-75G>A (NM_001256443.2); c.-66+19G>A (NM_001256442.2).
Identifiers: ClinVar variation 668441 (VCV000668441.1), dbSNP rs1000923002, ClinGen allele CA280408642.

ClinVar aggregate classification (germline): Likely benign (1 of 4 stars; one submission).

Allele frequency attached by ClinVar (database versions not stated): gnomAD 0.00003; TOPMed 0.00008 and 0.00009.

Submission:

GeneDx
Classification: Likely benign. Last evaluated: 2018-05-23. Review status: criteria provided, single submitter. Criteria: GeneDx Variant Classification (06012015). Collection method: clinical testing. Allele origin: germline. Affected: yes.
Comment: This variant is considered likely benign or benign based on one or more of the following criteria: it is a conservative change, it occurs at a poorly conserved position in the protein, it is predicted to be benign by multiple in silico algorithms, and/or has population frequency not consistent with disease.